The following is an entry in ClinVar:

NM_001374736.1(DST):c.15915G>C (p.Gln5305His)

Gene: DST (dystonin; minus strand). Cytogenetic location: 6p12.1.
Variant type: single nucleotide variant.
Coding change: c.15915G>C on transcript NM_001374736.1 (MANE Select); coding-DNA position 15915, G replaced by C.
Protein change: p.Gln5305His; replaces glutamine 5305 with histidine.
Molecular consequence: missense variant.
Genome position (GRCh38, 1-based): chr6:56,552,877, C>G on the plus strand (G>C on the coding strand, the complement: DST is on the minus strand). VCF-style: chr6-56552877-C-G. GRCh37 (hg19) VCF-style: chr6-56417675-C-G.
Other names: c.9558G>C (NM_001144769.2); c.9558G>C, p.Gln3186His (NM_001144769.5); c.9144G>C, p.Gln3048His (NM_001144770.2); c.15915G>C, p.Gln5305His (NM_001374722.1); c.15282G>C, p.Gln5094His (NM_001374729.1); c.9024G>C, p.Gln3008His (NM_001374730.1, NM_001386100.1, NM_183380.4); c.15942G>C, p.Gln5314His (NM_001374734.1); c.8046G>C, p.Gln2682His (NM_015548.5); short protein forms Q2682H, Q5314H, Q3008H, Q3048H, Q5094H, Q5305H, Q3186H.
Identifiers: ClinVar variation 2148710 (VCV002148710.2), dbSNP rs377683236, ClinGen allele CA3867754.

ClinVar aggregate classification (germline): Uncertain significance. Review status: criteria provided, multiple submitters, no conflicts (2 of 4 stars). 2 submissions from 2 submitters: Uncertain significance (2). Last evaluated 2025-03-28.

Conditions:
DST-related disorder. Also called: DST-related disorders; DST-related condition.
Epidermolysis bullosa simplex 3, localized or generalized intermediate, with BP230 deficiency (EBS3). Also called: Epidermolysis bullosa simplex, autosomal recessive 2; Epidermolysis bullosa simplex due to BP230 deficiency. Identifiers: Orphanet 412181, MedGen C3809470, MONDO:0014180, OMIM 615425.
Hereditary sensory and autonomic neuropathy type 6. Also called: HSAN VI; Neuropathy, hereditary sensory and autonomic, type VI. Identifiers: Orphanet 314381, MedGen C3539003, MONDO:0013839, OMIM 614653.

Allele frequency attached by ClinVar (database versions not stated): gnomAD exomes 0.00001; ExAC 0.00002; ESP Exome Variant Server 0.00008; TOPMed 0.00009; gnomAD 0.00010.
gnomAD v4.1: 25 of 1,613,834 alleles (0.0015%); highest among the groups gnomAD compares: African/African-American, 0.033%; no homozygotes.

Submissions (2):

PreventionGenetics, part of Exact Sciences
Classification: Uncertain significance for DST-related condition. Last evaluated: 2025-03-28. Review status: criteria provided, single submitter. Criteria: ACMG Guidelines, 2015. Collection method: clinical testing. Allele origin: germline.
Comment: The DST c.9558G>C variant is predicted to result in the amino acid substitution p.Gln3186His. To our knowledge, this variant has not been reported in the literature. This variant is reported in 0.025% of alleles in individuals of African descent in gnomAD. At this time, the clinical significance of this variant is uncertain due to the absence of conclusive functional and genetic evidence.

Labcorp Genetics (formerly Invitae), Labcorp
Classification: Uncertain significance for Epidermolysis bullosa simplex 3, localized or generalized intermediate, with BP230 deficiency; Hereditary sensory and autonomic neuropathy type 6. Last evaluated: 2021-12-29. Review status: criteria provided, single submitter. Criteria: Invitae Variant Classification Sherloc (09022015). Collection method: clinical testing. Allele origin: germline.
Comment: The DST gene has multiple clinically relevant transcripts. This variant occurs in alternate transcript NM_015548.4, and corresponds to NM_001723.5:c.*62640G>C in the primary transcript. This sequence change replaces glutamine, which is neutral and polar, with histidine, which is basic and polar, at codon 2682 of the DST protein (p.Gln2682His). This variant is present in population databases (rs377683236, gnomAD 0.02%). This variant has not been reported in the literature in individuals affected with DST-related conditions. Experimental studies and prediction algorithms are not available or were not evaluated, and the functional significance of this variant is currently unknown. In summary, the available evidence is currently insufficient to determine the role of this variant in disease. Therefore, it has been classified as a Variant of Uncertain Significance.